The following is an entry in ClinVar:

NM_000057.4(BLM):c.3857C>A (p.Ser1286Tyr)

Gene: BLM (BLM RecQ like helicase; plus strand). Cytogenetic location: 15q26.1.
Variant type: single nucleotide variant.
Coding change: c.3857C>A on transcript NM_000057.4 (MANE Select); coding-DNA position 3857, C replaced by A.
Protein change: p.Ser1286Tyr; replaces serine 1286 with tyrosine.
Molecular consequence: missense variant.
Genome position (GRCh38, 1-based): chr15:90,809,242, C>A. VCF-style: chr15-90809242-C-A. GRCh37 (hg19) VCF-style: chr15-91352472-C-A.
Other names: c.3857C>A, p.Ser1286Tyr (NM_001287246.2); c.3464C>A, p.Ser1155Tyr (NM_001287247.2); c.2732C>A, p.Ser911Tyr (NM_001287248.2); short protein forms S1155Y, S911Y, S1286Y.
Identifiers: ClinVar variation 2157385 (VCV002157385.7), dbSNP rs1423327905, ClinGen allele CA393849814.
Genomic context (GRCh38, chr15:90,809,242, plus strand): 5'-TTACTGAAGACAAACTGGAAAAATATGGTGCGGAAGTGATTTCAGTATTACAGAAATACT[C>A]TGAATGGACATCGCCAGGTTAGTACACAGCCATGTGTGTTCTCTAAAAGCCTGTTTAATG-3'
Protein context (NP_000048.1, residues 1276-1296): AEVISVLQKY[Ser1286Tyr]EWTSPAEDSS

ClinVar aggregate classification (germline): Uncertain significance. Review status: criteria provided, multiple submitters, no conflicts (2 of 4 stars). 2 submissions from 2 submitters: Uncertain significance (2). Last evaluated 2025-06-12.

Conditions:
Hereditary cancer-predisposing syndrome. Also called: Tumor predisposition; Hereditary neoplastic syndrome; Neoplastic Syndromes, Hereditary; Hereditary Cancer Syndrome. Identifiers: Orphanet 140162, MedGen C0027672, MeSH D009386, MONDO:0015356.
Bloom syndrome (BLM). Also called: Bloom-Torre-Machacek syndrome. Identifiers: Orphanet 125, MedGen C0005859, MONDO:0008876, OMIM 210900.

Allele frequency attached by ClinVar (database versions not stated): gnomAD 0.00001; TOPMed 0.00001.
gnomAD v4.1: 1 of 1,614,064 alleles (0.000062%); highest among the groups gnomAD compares: Non-Finnish European, 0.000085%; no homozygotes.

Submissions (2):

Ambry Genetics
Classification: Uncertain significance for Hereditary cancer-predisposing syndrome. Last evaluated: 2025-06-12. Review status: criteria provided, single submitter. Criteria: Ambry Variant Classification Scheme 2023. Collection method: clinical testing. Allele origin: germline.
Comment: The p.S1286Y variant (also known as c.3857C>A), located in coding exon 19 of the BLM gene, results from a C to A substitution at nucleotide position 3857. The serine at codon 1286 is replaced by tyrosine, an amino acid with dissimilar properties. This amino acid position is conserved. In addition, the in silico prediction for this alteration is inconclusive. Since supporting evidence is limited at this time, the clinical significance of this alteration remains unclear.

Labcorp Genetics (formerly Invitae), Labcorp
Classification: Uncertain significance for Bloom syndrome. Last evaluated: 2023-05-14. Review status: criteria provided, single submitter. Criteria: Invitae Variant Classification Sherloc (09022015). Collection method: clinical testing. Allele origin: germline.
Comment: In summary, the available evidence is currently insufficient to determine the role of this variant in disease. Therefore, it has been classified as a Variant of Uncertain Significance. Advanced modeling of protein sequence and biophysical properties (such as structural, functional, and spatial information, amino acid conservation, physicochemical variation, residue mobility, and thermodynamic stability) performed at Invitae indicates that this missense variant is not expected to disrupt BLM protein function. ClinVar contains an entry for this variant (Variation ID: 2157385). This variant has not been reported in the literature in individuals affected with BLM-related conditions. This variant is not present in population databases (gnomAD no frequency). This sequence change replaces serine, which is neutral and polar, with tyrosine, which is neutral and polar, at codon 1286 of the BLM protein (p.Ser1286Tyr).